The following is an entry in ClinVar:

NM_000384.3(APOB):c.13395G>C (p.Lys4465Asn)

Gene: APOB (apolipoprotein B; minus strand). Cytogenetic location: 2p24.1.
Variant type: single nucleotide variant.
Coding change: c.13395G>C on transcript NM_000384.3 (MANE Select); coding-DNA position 13395, G replaced by C.
Protein change: p.Lys4465Asn; replaces lysine 4465 with asparagine.
Molecular consequence: missense variant.
Genome position (GRCh38, 1-based): chr2:21,002,027, C>G on the plus strand (G>C on the coding strand, the complement: APOB is on the minus strand). VCF-style: chr2-21002027-C-G. GRCh37 (hg19) VCF-style: chr2-21224899-C-G.
Other names: short protein forms K4465N.
Identifiers: ClinVar variation 3933765 (VCV003933765.2).

ClinVar aggregate classification (germline): Uncertain significance (1 of 4 stars; one submission).

Conditions:
Cardiovascular phenotype. Identifiers: MedGen CN230736.

gnomAD v4.1: 3 of 1,614,012 alleles (0.00019%); highest among the groups gnomAD compares: Non-Finnish European, 0.00025%; no homozygotes.

Submission:

Ambry Genetics
Classification: Uncertain significance for Cardiovascular phenotype. Last evaluated: 2026-09-11. Review status: criteria provided, single submitter. Criteria: Ambry Variant Classification Scheme 2023. Collection method: clinical testing. Allele origin: germline.
Comment: The p.K4465N variant (also known as c.13395G>C), located in coding exon 29 of the APOB gene, results from a G to C substitution at nucleotide position 13395. The lysine at codon 4465 is replaced by asparagine, an amino acid with similar properties. This amino acid position is conserved. In addition, this alteration is predicted to be tolerated by in silico analysis. Based on the available evidence, the clinical significance of this variant remains unclear.